The following is an entry in ClinVar:

NM_152468.5(TMC8):c.1103C>T (p.Thr368Met)

Gene: TMC8 (transmembrane channel like 8; plus strand). Cytogenetic location: 17q25.3.
Variant type: single nucleotide variant.
Coding change: c.1103C>T on transcript NM_152468.5 (MANE Select); coding-DNA position 1103, C replaced by T.
Protein change: p.Thr368Met; replaces threonine 368 with methionine.
Molecular consequence: missense variant.
Genome position (GRCh38, 1-based): chr17:78,134,985, C>T. VCF-style: chr17-78134985-C-T. GRCh37 (hg19) VCF-style: chr17-76131066-C-T.
Other names: c.1103C>T (NM_152468.4); short protein forms T368M.
Identifiers: ClinVar variation 1387275 (VCV001387275.8), dbSNP rs137855965, ClinGen allele CA8796724.

ClinVar aggregate classification (germline): Uncertain significance. Review status: criteria provided, multiple submitters, no conflicts (2 of 4 stars). 2 submissions from 2 submitters: Uncertain significance (2). Last evaluated 2025-02-05.

Conditions:
Inborn genetic diseases. Identifiers: MedGen C0950123, MeSH D030342.
Epidermodysplasia verruciformis. Identifiers: Orphanet 302, MedGen C0014522, MONDO:0009176.

Allele frequency attached by ClinVar (database versions not stated): gnomAD exomes 0.00001 and 0.00002; ExAC 0.00002; TOPMed 0.00006; gnomAD 0.00008; ESP Exome Variant Server 0.00015.
gnomAD v4.1: 25 of 1,613,946 alleles (0.0015%); highest among the groups gnomAD compares: African/African-American, 0.027%; no homozygotes.

Submissions (2):

Ambry Genetics
Classification: Uncertain significance for Inborn genetic diseases. Last evaluated: 2025-02-05. Review status: criteria provided, single submitter. Criteria: Ambry Variant Classification Scheme 2023. Collection method: clinical testing. Allele origin: germline.

Labcorp Genetics (formerly Invitae), Labcorp
Classification: Uncertain significance for Epidermodysplasia verruciformis. Last evaluated: 2022-07-19. Review status: criteria provided, single submitter. Criteria: Invitae Variant Classification Sherloc (09022015). Collection method: clinical testing. Allele origin: germline.
Comment: In summary, the available evidence is currently insufficient to determine the role of this variant in disease. Therefore, it has been classified as a Variant of Uncertain Significance. Algorithms developed to predict the effect of missense changes on protein structure and function (SIFT, PolyPhen-2, Align-GVGD) all suggest that this variant is likely to be tolerated. ClinVar contains an entry for this variant (Variation ID: 1387275). This variant has not been reported in the literature in individuals affected with TMC8-related conditions. This variant is present in population databases (rs137855965, gnomAD 0.02%). This sequence change replaces threonine, which is neutral and polar, with methionine, which is neutral and non-polar, at codon 368 of the TMC8 protein (p.Thr368Met).